The following is an entry in ClinVar:

ClinVar aggregate classification (germline): Conflicting classifications of pathogenicity. Review status: criteria provided, conflicting classifications (1 of 4 stars). 2 submissions from 2 submitters: Uncertain significance (1); Likely benign (1). Last evaluated 2025-09-01.

Allele frequency attached by ClinVar (database versions not stated): ExAC 0.00006; gnomAD exomes 0.00006; gnomAD 0.00007 and 0.00009; ESP Exome Variant Server 0.00008; TOPMed 0.00009.
gnomAD v4.1: 205 of 1,613,646 alleles (0.013%); highest among the groups gnomAD compares: Middle Eastern, 0.016%; no homozygotes.

Submissions (2):

CeGaT Center for Human Genetics Tuebingen
Classification: Uncertain significance. Last evaluated: 2025-09-01. Review status: criteria provided, single submitter. Criteria: CeGaT Center For Human Genetics Tuebingen Variant Classification Criteria Version 2. Collection method: clinical testing. Allele origin: germline. Affected: yes. Observed: 1 variant allele.
Comment: TRIOBP: PM2:Supporting

GeneDx
Classification: Likely benign. Last evaluated: 2019-01-23. Review status: criteria provided, single submitter. Criteria: GeneDx Variant Classification Process June 2021. Collection method: clinical testing. Allele origin: germline. Affected: yes.

NM_001039141.3(TRIOBP):c.636C>T (p.Gly212=)

Gene: TRIOBP (TRIO and F-actin binding protein; plus strand). Cytogenetic location: 22q13.1.
Variant type: single nucleotide variant.
Coding change: c.636C>T on transcript NM_001039141.3 (MANE Select); coding-DNA position 636, C replaced by T.
Protein change: p.Gly212=; no amino-acid change (glycine 212 retained).
Molecular consequence: synonymous variant.
Genome position (GRCh38, 1-based): chr22:37,723,192, C>T. VCF-style: chr22-37723192-C-T. GRCh37 (hg19) VCF-style: chr22-38119199-C-T.
Identifiers: ClinVar variation 1216799 (VCV001216799.10), dbSNP rs369377486, ClinGen allele CA10223413.